The following is an entry in ClinVar:

NM_001291303.3(FAT4):c.848C>T (p.Ala283Val)

Gene: FAT4 (FAT atypical cadherin 4; plus strand). Cytogenetic location: 4q28.1.
Variant type: single nucleotide variant.
Coding change: c.848C>T on transcript NM_001291303.3 (MANE Select); coding-DNA position 848, C replaced by T.
Protein change: p.Ala283Val; replaces alanine 283 with valine.
Molecular consequence: missense variant.
Genome position (GRCh38, 1-based): chr4:125,317,259, C>T. VCF-style: chr4-125317259-C-T. GRCh37 (hg19) VCF-style: chr4-126238414-C-T.
Other names: c.848C>T, p.Ala283Val (NM_001291285.3, NM_024582.6); short protein forms A283V.
Identifiers: ClinVar variation 1384189 (VCV001384189.6), dbSNP rs2125939276, ClinGen allele CA358116663.

ClinVar aggregate classification (germline): Uncertain significance (1 of 4 stars; one submission).

Submission:

Labcorp Genetics (formerly Invitae), Labcorp
Classification: Uncertain significance. Last evaluated: 2024-02-24. Review status: criteria provided, single submitter. Criteria: Invitae Variant Classification Sherloc (09022015). Collection method: clinical testing. Allele origin: germline.
Comment: This sequence change replaces alanine, which is neutral and non-polar, with valine, which is neutral and non-polar, at codon 283 of the FAT4 protein (p.Ala283Val). This variant is not present in population databases (gnomAD no frequency). This variant has not been reported in the literature in individuals affected with FAT4-related conditions. ClinVar contains an entry for this variant (Variation ID: 1384189). Advanced modeling of protein sequence and biophysical properties (such as structural, functional, and spatial information, amino acid conservation, physicochemical variation, residue mobility, and thermodynamic stability) performed at Invitae indicates that this missense variant is not expected to disrupt FAT4 protein function with a negative predictive value of 95%. In summary, the available evidence is currently insufficient to determine the role of this variant in disease. Therefore, it has been classified as a Variant of Uncertain Significance.